The following is an entry in ClinVar:

ClinVar aggregate classification (germline): Uncertain significance. Review status: criteria provided, multiple submitters, no conflicts (2 of 4 stars). 3 submissions from 3 submitters: Uncertain significance (3). Last evaluated 2025-10-22.

Allele frequency attached by ClinVar (database versions not stated): gnomAD exomes 0.00001; gnomAD 0.00003; TOPMed 0.00006.
gnomAD v4.1: 14 of 1,599,208 alleles (0.00088%); highest among the groups gnomAD compares: African/African-American, 0.019%; no homozygotes.

Submissions (3):

Ambry Genetics
Classification: Uncertain significance. Last evaluated: 2025-10-22. Review status: criteria provided, single submitter. Criteria: Ambry Variant Classification Scheme 2023. Collection method: clinical testing. Allele origin: germline.

Labcorp Genetics (formerly Invitae), Labcorp
Classification: Uncertain significance. Last evaluated: 2025-07-27. Review status: criteria provided, single submitter. Criteria: Invitae Variant Classification Sherloc (09022015). Collection method: clinical testing. Allele origin: germline.
Comment: This sequence change replaces valine, which is neutral and non-polar, with isoleucine, which is neutral and non-polar, at codon 1423 of the RIMS1 protein (p.Val1423Ile). This variant is present in population databases (no rsID available, gnomAD 0.02%). This variant has not been reported in the literature in individuals affected with RIMS1-related conditions. ClinVar contains an entry for this variant (Variation ID: 850863). An algorithm developed to predict the effect of missense changes on protein structure and function (PolyPhen-2) suggests that this variant is likely to be tolerated. In summary, the available evidence is currently insufficient to determine the role of this variant in disease. Therefore, it has been classified as a Variant of Uncertain Significance.

Blueprint Genetics
Classification: Uncertain significance. Last evaluated: 2024-07-17. Review status: criteria provided, single submitter. Criteria: ACMG Guidelines, 2015. Collection method: clinical testing. Allele origin: germline.

NM_014989.7(RIMS1):c.4267G>A (p.Val1423Ile)

Gene: RIMS1 (regulating synaptic membrane exocytosis 1; plus strand). Cytogenetic location: 6q13.
Variant type: single nucleotide variant.
Coding change: c.4267G>A on transcript NM_014989.7 (MANE Select); coding-DNA position 4267, G replaced by A.
Protein change: p.Val1423Ile; replaces valine 1423 with isoleucine.
Molecular consequence: missense variant. On other transcripts: intron variant (24).
Genome position (GRCh38, 1-based): chr6:72,333,736, G>A. VCF-style: chr6-72333736-G-A. GRCh37 (hg19) VCF-style: chr6-73043439-G-A.
Other names: c.2227G>A, p.Val743Ile (NM_001168407.2); c.2188G>A, p.Val730Ile (NM_001350414.2); c.2284G>A, p.Val762Ile (NM_001350415.2); c.2233G>A, p.Val745Ile (NM_001350416.2); c.2206G>A, p.Val736Ile (NM_001350418.2); c.2341G>A, p.Val781Ile (NM_001350420.2); c.2086G>A, p.Val696Ile (NM_001350421.2); c.1975G>A, p.Val659Ile (NM_001350423.2); and 54 more; short protein forms V659I, V663I, V668I, V690I, V720I, V723I, V724I, V726I.
Identifiers: ClinVar variation 850863 (VCV000850863.11), dbSNP rs755848328, ClinGen allele CA140893887.